The following is an entry in ClinVar:

NM_177438.3(DICER1):c.5428G>C (p.Asp1810His)

Gene: DICER1 (dicer 1, ribonuclease III; minus strand). Cytogenetic location: 14q32.13.
Variant type: single nucleotide variant.
Coding change: c.5428G>C on transcript NM_177438.3 (MANE Select); coding-DNA position 5428, G replaced by C.
Protein change: p.Asp1810His; replaces aspartic acid 1810 with histidine.
Molecular consequence: missense variant. On other transcripts: intron variant (1).
Genome position (GRCh38, 1-based): chr14:95,091,302, C>G on the plus strand (G>C on the coding strand, the complement: DICER1 is on the minus strand). VCF-style: chr14-95091302-C-G. GRCh37 (hg19) VCF-style: chr14-95557639-C-G.
Other names: NM_177438.3(DICER1):c.5428G>C; p.Asp1810His; c.5428G>C, p.Asp1810His (NM_001271282.3, NM_001291628.2, NM_030621.4); c.5365-193G>C (NM_001195573.1); short protein forms D1810H.
Identifiers: ClinVar variation 933083 (VCV000933083.8), dbSNP rs775912475, ClinGen allele CA390864678.

ClinVar aggregate classification (germline): Uncertain significance. Review status: reviewed by expert panel (3 of 4 stars). 4 submissions from 4 submitters: Uncertain significance (1). 3 of the submissions do not count toward it. Last evaluated 2026-09-01.

Conditions:
Hereditary cancer-predisposing syndrome. Also called: Neoplastic Syndromes, Hereditary; Tumor predisposition; Hereditary neoplastic syndrome; Hereditary Cancer Syndrome. Identifiers: Orphanet 140162, MedGen C0027672, MeSH D009386, MONDO:0015356.
Pleuropulmonary blastoma (PPB). Identifiers: Orphanet 64742, MedGen C1266144, MONDO:0011014, OMIM 601200, HP:0100528.
DICER1-related tumor predisposition. Also called: DICER1-related pleuropulmonary blastoma cancer predisposition syndrome; DICER1 syndrome. Identifiers: Orphanet 284343, MedGen C3839822, MONDO:0100216.

Submissions (4):

ClinGen DICER1 and miRNA-Processing Gene Variant Curation Expert Panel, ClinGen
Classification: Uncertain significance for DICER1-related tumor predisposition. Last evaluated: 2026-09-01. Review status: reviewed by expert panel. Criteria: ClinGen DICER1 and miRNA-Processing Gene Expert Panel Specifications to the ACMG/AMP Variant Interpretation Guidelines for DICER1 Version 1.4. Collection method: curation. Allele origin: germline. Inheritance: Autosomal dominant inheritance.
Comment: The NM_177438.3:c.5428G>C variant in DICER1 is a missense variant predicted to cause substitution of aspartic acid by histidine at amino acid 1810 (p.Asp1810His). This variant is absent from gnomAD v4.1.0 (PM2_Supporting). In vitro cleavage assay carried out using immunopurified DICER1 variant showed that this variant reduces the capacity of the protein to produce 5p and 3p microRNAs from a pre-miRNA, indicating that this variant impacts protein function (PS3_Supporting; Wu 2018, McGill University). This variant resides in the p.D1810 metal ion-binding residue located in the RNase IIIb domain of DICER1, that is defined as a mutational hotspot and critical functional domain by the ClinGen DICER1 VCEP (PM1; PMID: 31342592). In silico tools predict damaging impact of the variant on protein function (REVEL: 0.928) (PP3). In summary, this variant meets the criteria to be classified as a variant of uncertain significance for DICER1-related tumor predisposition based on the ACMG/AMP criteria applied, as specified by the ClinGen DICER1 VCEP: PS3_Supporting, PM1, PM2_Supporting, PP3. (VCEP specifications version 1.4.0) Based on Tavtigian et al 2020 (PMID:32720330), the total points applied = 5, which equates to a classification of VUS. NOTE: Although available evidence supports germline pathogenicity of recurrent DICER1 somatic hotspot variants (PMID: 26925222), the clinical significance of this variant in the germline remains uncertain at this time since it has not yet been observed in the germline of an individual with a recognized DICER1 phenotype.

University of Washington Department of Laboratory Medicine, University of Washington
Classification: Likely pathogenic for Pleuropulmonary blastoma. Last evaluated: 2025-10-07. Review status: criteria provided, single submitter. Criteria: Shirts BH et al. (Am J Hum Genet 2018). Collection method: clinical testing. Allele origin: de novo. Affected: yes. Not counted in ClinVar's aggregate classification.
Comment: We classify the DICER1 c.5428G>C (p.Asp1810His) variant as pathogenic based on internal and published data. This missense variant substitutes aspartic acid with histidine at codon 1810, altering a critical metal ion-binding residue in the RNase IIIb domain of DICER1. The RNase IIIb domain is a well-established mutational hotspot and critical functional domain defined by the ClinGen DICER1 VCEP, supporting PM1. The variant is absent from large population databases, including gnomAD v4.1.0, meeting PM2_supporting. Computational analyses predict a damaging impact on protein function (REVEL: 0.928), supporting PP3. Taken together, the internal data, the tumor molecular phenotype, location in a critical mutational hotspot, functional evidence demonstrating impaired DICER1 activity, absence from population databases, and computational predictions support a likely pathogenic classification for this variant.

Ambry Genetics
Classification: Uncertain significance for Hereditary cancer-predisposing syndrome. Last evaluated: 2022-04-22. Review status: criteria provided, single submitter. Criteria: Ambry Variant Classification Scheme 2023. Collection method: clinical testing. Allele origin: germline. Not counted in ClinVar's aggregate classification.
Comment: The p.D1810H variant (also known as c.5428G>C), located in coding exon 24 of the DICER1 gene, results from a G to C substitution at nucleotide position 5428. The aspartic acid at codon 1810 is replaced by histidine, an amino acid with similar properties. This amino acid position is highly conserved in available vertebrate species. In addition, this alteration is predicted to be deleterious by in silico analysis. Since supporting evidence is limited at this time, the clinical significance of this alteration remains unclear.

Foulkes Cancer Genetics LDI, Lady Davis Institute for Medical Research
Classification: Pathogenic for Pleuropulmonary blastoma. Last evaluated: 2019-07-01. Review status: criteria provided, single submitter. Criteria: ACMG Guidelines, 2015. Collection method: curation. Allele origin: somatic, unknown. Affected: yes. Observed: 14 variant alleles. Not counted in ClinVar's aggregate classification.
Comment: ACMG criteria met: PS3, PM1, PM2, PM7, PP3, PP4, BP1

Literature cited by the submitters: PubMed 22187960 (cited by Foulkes Cancer Genetics LDI, Lady Davis Institute for Medical Research); PubMed 24481001 (cited by Foulkes Cancer Genetics LDI, Lady Davis Institute for Medical Research); PubMed 26555935 (cited by Foulkes Cancer Genetics LDI, Lady Davis Institute for Medical Research); PubMed 28222777 (cited by Foulkes Cancer Genetics LDI, Lady Davis Institute for Medical Research); PubMed 28177962 (cited by Foulkes Cancer Genetics LDI, Lady Davis Institute for Medical Research); PubMed 28323992 (cited by Foulkes Cancer Genetics LDI, Lady Davis Institute for Medical Research); PubMed 29037807 (cited by Foulkes Cancer Genetics LDI, Lady Davis Institute for Medical Research); PubMed 28654427 (cited by Foulkes Cancer Genetics LDI, Lady Davis Institute for Medical Research); PubMed 29395683 (cited by Foulkes Cancer Genetics LDI, Lady Davis Institute for Medical Research); PubMed 29660837 (cited by Foulkes Cancer Genetics LDI, Lady Davis Institute for Medical Research); PubMed 29881993 (cited by Foulkes Cancer Genetics LDI, Lady Davis Institute for Medical Research); PubMed 30266945 (cited by Foulkes Cancer Genetics LDI, Lady Davis Institute for Medical Research); PubMed 30597651 (cited by Foulkes Cancer Genetics LDI, Lady Davis Institute for Medical Research).